The following is an entry in ClinVar:

NM_004415.4(DSP):c.4415C>A (p.Ala1472Asp)

Gene: DSP (desmoplakin; plus strand). Cytogenetic location: 6p24.3.
Variant type: single nucleotide variant.
Coding change: c.4415C>A on transcript NM_004415.4 (MANE Select); coding-DNA position 4415, C replaced by A.
Protein change: p.Ala1472Asp; replaces alanine 1472 with aspartic acid.
Molecular consequence: missense variant. On other transcripts: intron variant (2).
Genome position (GRCh38, 1-based): chr6:7,580,605, C>A. VCF-style: chr6-7580605-C-A. GRCh37 (hg19) VCF-style: chr6-7580838-C-A.
Other names: c.4050+365C>A (NM_001319034.2); c.3582+833C>A (NM_001008844.3); short protein forms A1472D.
Identifiers: ClinVar variation 1501025 (VCV001501025.8), dbSNP rs1272181488, ClinGen allele CA362686261.
Genomic context (GRCh38, chr6:7,580,605, plus strand): 5'-GACAAGTCACTCAGATGCGAACAGAGGAGAGCGTAAGATATAAGCAATCTCTTGATGATG[C>A]TGCCAAAACCATCCAGGATAAAAACAAGGAGATAGAAAGGTTAAAACAACTGATCGACAA-3'
Protein context (NP_004406.2, residues 1462-1482): SVRYKQSLDD[Ala1472Asp]AKTIQDKNKE

ClinVar aggregate classification (germline): Uncertain significance (1 of 4 stars; one submission).

Conditions:
Arrhythmogenic cardiomyopathy with wooly hair and keratoderma. Also called: PALMOPLANTAR KERATODERMA WITH LEFT VENTRICULAR CARDIOMYOPATHY AND WOOLLY HAIR; Carvajal syndrome; Dilated cardiomyopathy with woolly hair and keratoderma; Arrhythmogenic cardiomyopathy with woolly hair and keratoderma. Identifiers: Orphanet 65282, MedGen C1854063, MONDO:0011581, OMIM 605676.
Arrhythmogenic right ventricular dysplasia 8 (ARVD8). Also called: Arrhythmogenic Right Ventricular Dysplasia/Cardiomyopathy 8; ARRHYTHMOGENIC RIGHT VENTRICULAR DYSPLASIA, FAMILIAL, 8; ARRHYTHMOGENIC RIGHT VENTRICULAR CARDIOMYOPATHY 8. Identifiers: MedGen C1843896, MONDO:0011831, OMIM 607450.

Submission:

Labcorp Genetics (formerly Invitae), Labcorp
Classification: Uncertain significance for Arrhythmogenic cardiomyopathy with wooly hair and keratoderma; Arrhythmogenic right ventricular dysplasia 8. Last evaluated: 2024-09-30. Review status: criteria provided, single submitter. Criteria: Invitae Variant Classification Sherloc (09022015). Collection method: clinical testing. Allele origin: germline.
Comment: This sequence change replaces alanine, which is neutral and non-polar, with aspartic acid, which is acidic and polar, at codon 1472 of the DSP protein (p.Ala1472Asp). This variant is not present in population databases (gnomAD no frequency). This variant has not been reported in the literature in individuals affected with DSP-related conditions. ClinVar contains an entry for this variant (Variation ID: 1501025). An algorithm developed to predict the effect of missense changes on protein structure and function (PolyPhen-2) suggests that this variant is likely to be disruptive. In summary, the available evidence is currently insufficient to determine the role of this variant in disease. Therefore, it has been classified as a Variant of Uncertain Significance.